The following is an entry in ClinVar:

NM_004187.5(KDM5C):c.1931A>C (p.His644Pro)

Gene: KDM5C (lysine demethylase 5C; minus strand). Cytogenetic location: Xp11.22.
Variant type: single nucleotide variant.
Coding change: c.1931A>C on transcript NM_004187.5 (MANE Select); coding-DNA position 1931, A replaced by C.
Protein change: p.His644Pro; replaces histidine 644 with proline.
Molecular consequence: missense variant. On other transcripts: non-coding transcript variant (3).
Genome position (GRCh38, 1-based): chrX:53,201,680, T>G on the plus strand (A>C on the coding strand, the complement: KDM5C is on the minus strand). VCF-style: chrX-53201680-T-G. GRCh37 (hg19) VCF-style: chrX-53230862-T-G.
Other names: c.1730A>C, p.His577Pro (NM_001146702.2); c.1928A>C, p.His643Pro (NM_001282622.3, NM_001353979.2, NM_001353982.2); c.1931A>C, p.His644Pro (NM_001353978.3, NM_001353981.2, NM_001353984.2); short protein forms H577P, H643P, H644P.
Identifiers: ClinVar variation 3899116 (VCV003899116.1).

ClinVar aggregate classification (germline): Uncertain significance (1 of 4 stars; one submission).

Submission:

GeneDx
Classification: Uncertain significance. Last evaluated: 2024-11-06. Review status: criteria provided, single submitter. Criteria: GeneDx Variant Classification Process June 2021. Collection method: clinical testing. Allele origin: germline. Affected: yes.
Comment: Not observed at significant frequency in large population cohorts (gnomAD); In silico analysis supports that this missense variant has a deleterious effect on protein structure/function; Has not been previously published as pathogenic or benign to our knowledge